The following is an entry in ClinVar:

ClinVar aggregate classification (germline): Uncertain significance (1 of 4 stars; one submission).

Allele frequency attached by ClinVar (database versions not stated): TOPMed 0.00001; gnomAD 0.00004; ExAC 0.00008; 1000 Genomes Project 0.00020; 1000 Genomes Project 30x 0.00031.
gnomAD v4.1: 71 of 1,611,048 alleles (0.0044%); highest among the groups gnomAD compares: South Asian, 0.022%; no homozygotes.

Submission:

Labcorp Genetics (formerly Invitae), Labcorp
Classification: Uncertain significance. Last evaluated: 2022-03-20. Review status: criteria provided, single submitter. Criteria: Invitae Variant Classification Sherloc (09022015). Collection method: clinical testing. Allele origin: germline.
Comment: This sequence change falls in intron 51 of the SZT2 gene. It does not directly change the encoded amino acid sequence of the SZT2 protein. This variant is present in population databases (rs558189639, gnomAD 0.03%). This variant has not been reported in the literature in individuals affected with SZT2-related conditions. Algorithms developed to predict the effect of sequence changes on RNA splicing suggest that this variant may create or strengthen a splice site. In summary, the available evidence is currently insufficient to determine the role of this variant in disease. Therefore, it has been classified as a Variant of Uncertain Significance.

NM_001365999.1(SZT2):c.7345-17C>G

Gene: SZT2 (SZT2 subunit of KICSTOR complex; plus strand). Cytogenetic location: 1p34.2.
Variant type: single nucleotide variant.
Coding change: c.7345-17C>G on transcript NM_001365999.1 (MANE Select); 17 bases into the intron before coding-DNA position 7345, C replaced by G.
Molecular consequence: intron variant.
Genome position (GRCh38, 1-based): chr1:43,441,197, C>G. VCF-style: chr1-43441197-C-G. GRCh37 (hg19) VCF-style: chr1-43906868-C-G.
Other names: c.7174-17C>G (NM_015284.4).
Identifiers: ClinVar variation 2146148 (VCV002146148.1), dbSNP rs558189639, ClinGen allele CA810209.